The following is an entry in ClinVar:

NM_000035.4(ALDOB):c.590A>G (p.His197Arg)

Gene: ALDOB (aldolase, fructose-bisphosphate B; minus strand). Cytogenetic location: 9q31.1.
Variant type: single nucleotide variant.
Coding change: c.590A>G on transcript NM_000035.4 (MANE Select); coding-DNA position 590, A replaced by G.
Protein change: p.His197Arg; replaces histidine 197 with arginine.
Molecular consequence: missense variant.
Genome position (GRCh38, 1-based): chr9:101,426,589, T>C on the plus strand (A>G on the coding strand, the complement: ALDOB is on the minus strand). VCF-style: chr9-101426589-T-C. GRCh37 (hg19) VCF-style: chr9-104188871-T-C.
Other names: c.590A>G, p.His197Arg (LRG_1244t1); c.590A>G (NM_000035.3); short protein forms H197R.
Identifiers: ClinVar variation 500747 (VCV000500747.9), dbSNP rs368140282, ClinGen allele CA5161527.

ClinVar aggregate classification (germline): Uncertain significance. Review status: criteria provided, multiple submitters, no conflicts (2 of 4 stars). 3 submissions from 3 submitters: Uncertain significance (3). Last evaluated 2026-06-16.

Conditions:
ALDOB-related disorder. Also called: ALDOB-related condition.
Hereditary fructosuria. Also called: ALDOB DEFICIENCY; ALDOLASE B DEFICIENCY; FRUCTOSE-1,6-BISPHOSPHATE ALDOLASE B DEFICIENCY; FRUCTOSE-1-PHOSPHATE ALDOLASE DEFICIENCY; FRUCTOSEMIA; Hereditary fructose intolerance. Identifiers: Orphanet 469, MedGen C0016751, MONDO:0009249, OMIM 229600, HP:0005973. Disease mechanism: loss of function.

Allele frequency attached by ClinVar (database versions not stated): gnomAD exomes 0.00004 and 0.00011; ExAC 0.00005; gnomAD 0.00007 and 0.00008; ESP Exome Variant Server 0.00008; TOPMed 0.00015.
gnomAD v4.1: 82 of 1,613,192 alleles (0.0051%); highest among the groups gnomAD compares: Admixed American, 0.07%; no homozygotes.

Submissions (3):

PreventionGenetics, part of Exact Sciences
Classification: Uncertain significance for ALDOB-related condition. Last evaluated: 2026-06-16. Review status: criteria provided, single submitter. Criteria: ACMG Guidelines, 2015. Collection method: clinical testing. Allele origin: germline.
Comment: The ALDOB c.590A>G variant is predicted to result in the amino acid substitution p.His197Arg. To our knowledge, this variant has not been reported in the literature. This variant is reported in 0.073% of alleles in individuals of Latino descent in gnomAD, which may be too frequent to be a primary cause of disease. Although we suspect that this variant may be benign, at this time, the clinical significance of this variant is uncertain due to the absence of conclusive functional and genetic evidence.

Labcorp Genetics (formerly Invitae), Labcorp
Classification: Uncertain significance for Hereditary fructosuria. Last evaluated: 2022-07-18. Review status: criteria provided, single submitter. Criteria: Invitae Variant Classification Sherloc (09022015). Collection method: clinical testing. Allele origin: germline.
Comment: This sequence change replaces histidine, which is basic and polar, with arginine, which is basic and polar, at codon 197 of the ALDOB protein (p.His197Arg). This variant is present in population databases (rs368140282, gnomAD 0.07%). This variant has not been reported in the literature in individuals affected with ALDOB-related conditions. ClinVar contains an entry for this variant (Variation ID: 500747). Algorithms developed to predict the effect of missense changes on protein structure and function are either unavailable or do not agree on the potential impact of this missense change (SIFT: "Tolerated"; PolyPhen-2: "Probably Damaging"; Align-GVGD: "Class C0"). In summary, the available evidence is currently insufficient to determine the role of this variant in disease. Therefore, it has been classified as a Variant of Uncertain Significance.

Eurofins Ntd Llc (ga)
Classification: Uncertain significance. Last evaluated: 2018-02-02. Review status: criteria provided, single submitter. Criteria: EGL Classification Definitions 2015. Collection method: clinical testing. Allele origin: germline. Observed: 3 variant alleles, 3 heterozygotes.